The following is an entry in ClinVar:

NM_000138.5(FBN1):c.198C>G (p.Tyr66Ter)

Gene: FBN1 (fibrillin 1; minus strand). Cytogenetic location: 15q21.1.
Variant type: single nucleotide variant.
Coding change: c.198C>G on transcript NM_000138.5 (MANE Select); coding-DNA position 198, C replaced by G.
Protein change: p.Tyr66Ter; replaces tyrosine 66 with a stop codon.
Molecular consequence: nonsense.
Genome position (GRCh38, 1-based): chr15:48,613,059, G>C on the plus strand (C>G on the coding strand, the complement: FBN1 is on the minus strand). VCF-style: chr15-48613059-G-C. GRCh37 (hg19) VCF-style: chr15-48905256-G-C.
Other names: short protein forms Y66*.
Identifiers: ClinVar variation 841972 (VCV000841972.8), dbSNP rs2044669179, ClinGen allele CA392448452.

ClinVar aggregate classification (germline): Pathogenic. Review status: criteria provided, multiple submitters, no conflicts (2 of 4 stars). 2 submissions from 2 submitters: Pathogenic (2). Last evaluated 2026-02-23.

Conditions:
Familial thoracic aortic aneurysm and aortic dissection (TAAD). Also called: Thoracic aortic aneurysms and dissections. Identifiers: Orphanet 91387, MedGen C4707243, MONDO:0019625.
Marfan syndrome (MFS). Also called: FBN1-Related Marfan Syndrome; Marfan's syndrome; MARFAN SYNDROME, TYPE I; Marfan syndrome type 1; Marfan syndrome, classic. Identifiers: Orphanet 284963, Orphanet 558, MedGen C0024796, MONDO:0007947, OMIM 154700.

Submissions (2):

Dasa
Classification: Pathogenic. Last evaluated: 2026-02-23. Review status: criteria provided, single submitter. Criteria: DASA Assertion Criteria. Collection method: clinical testing. Allele origin: germline.
Comment: NM_000138.5(FBN1):c.198C>G (p.Tyr66*) introduces a premature termination codon predicted to result in loss of normal protein function. Loss-of-function is an established mechanism of disease for this gene. The variant is present at low frequency in population datasets. Based on the available data, this variant is classified as pathogenic.

Labcorp Genetics (formerly Invitae), Labcorp
Classification: Pathogenic for Marfan syndrome; Familial thoracic aortic aneurysm and aortic dissection. Last evaluated: 2019-10-01. Review status: criteria provided, single submitter. Criteria: Invitae Variant Classification Sherloc (09022015). Collection method: clinical testing. Allele origin: germline.
Comment: For these reasons, this variant has been classified as Pathogenic. Loss-of-function variants in FBN1 are known to be pathogenic (PMID: 17657824, 19293843). This variant has not been reported in the literature in individuals with FBN1-related conditions. This variant is not present in population databases (ExAC no frequency). This sequence change creates a premature translational stop signal (p.Tyr66*) in the FBN1 gene. It is expected to result in an absent or disrupted protein product.

Literature cited by the submitters: PubMed 17657824 (cited by Labcorp Genetics (formerly Invitae), Labcorp); PubMed 19293843 (cited by Labcorp Genetics (formerly Invitae), Labcorp).